The following is an entry in ClinVar:

ClinVar aggregate classification (germline): Likely benign (1 of 4 stars; one submission).

Submission:

GeneDx
Classification: Likely benign. Last evaluated: 2017-01-23. Review status: criteria provided, single submitter. Criteria: GeneDx Variant Classification (06012015). Collection method: clinical testing. Allele origin: germline. Affected: yes.
Comment: This variant is considered likely benign or benign based on one or more of the following criteria: it is a conservative change, it occurs at a poorly conserved position in the protein, it is predicted to be benign by multiple in silico algorithms, and/or has population frequency not consistent with disease.

NM_001267550.2(TTN):c.40935C>T (p.Pro13645=)

Gene: TTN (titin; minus strand). Cytogenetic location: 2q31.2.
Variant type: single nucleotide variant.
Coding change: c.40935C>T on transcript NM_001267550.2 (MANE Select); coding-DNA position 40935, C replaced by T.
Protein change: p.Pro13645=; no amino-acid change (proline 13645 retained).
Molecular consequence: synonymous variant.
Genome position (GRCh38, 1-based): chr2:178,636,792, G>A on the plus strand (C>T on the coding strand, the complement: TTN is on the minus strand). VCF-style: chr2-178636792-G-A. GRCh37 (hg19) VCF-style: chr2-179501519-G-A.
Other names: c.36012C>T, p.Pro12004= (NM_001256850.1); c.13740C>T, p.Pro4580= (NM_003319.4); c.33231C>T, p.Pro11077= (NM_133378.4); c.14115C>T, p.Pro4705= (NM_133432.3); c.14316C>T, p.Pro4772= (NM_133437.4).
Identifiers: ClinVar variation 507032 (VCV000507032.1), dbSNP rs1553748565, ClinGen allele CA430115036.
Genomic context (GRCh38, chr2:178,636,792, plus strand): 5'-TCCACCACTTCCTGGCCTTAACTTTCTCCTTTCGGCTTCTATTGGTGAAGGAGTCTTTTT[G>A]GGTACACCTAATTCAAAGTAAAATAAAAAGTTGATTTGGCATCTCCTTAGGAGTCAGAAA-3'
Protein context (NP_001254479.2, residues 13635-13655): AKPKGPIKGV[Pro13645=]KKTPSPIEAE